The following is an entry in ClinVar:

ClinVar aggregate classification (germline): Uncertain significance (1 of 4 stars; one submission).

Submission:

Women's Health and Genetics/Laboratory Corporation of America, LabCorp
Classification: Uncertain significance. Last evaluated: 2025-09-18. Review status: criteria provided, single submitter. Criteria: LabCorp Variant Classification Summary - May 2015. Collection method: clinical testing. Allele origin: germline.
Comment: Variant summary: PDS5B c.2314C>T (p.His772Tyr) results in a conservative amino acid change in the encoded protein sequence. Algorithms developed to predict the effect of missense changes on protein structure and function are either unavailable or do not agree on the potential impact of this missense change. The variant was absent in 249006 control chromosomes. The available data on variant occurrences in the general population are insufficient to allow any conclusion about variant significance. To our knowledge, no occurrence of c.2314C>T in individuals affected with PDS5B-related conditions and no experimental evidence demonstrating its impact on protein function have been reported. No submitters have cited clinical-significance assessments for this variant to ClinVar. Based on the evidence outlined above, the variant was classified as uncertain significance.

NM_015032.4(PDS5B):c.2314C>T (p.His772Tyr)

Gene: PDS5B (PDS5 cohesin associated factor B; plus strand). Cytogenetic location: 13q13.1.
Variant type: single nucleotide variant.
Coding change: c.2314C>T on transcript NM_015032.4 (MANE Select); coding-DNA position 2314, C replaced by T.
Protein change: p.His772Tyr; replaces histidine 772 with tyrosine.
Molecular consequence: missense variant.
Genome position (GRCh38, 1-based): chr13:32,735,238, C>T. VCF-style: chr13-32735238-C-T. GRCh37 (hg19) VCF-style: chr13-33309375-C-T.
Other names: short protein forms H772Y.
Identifiers: ClinVar variation 4536130 (VCV004536130.1).
Genomic context (GRCh38, chr13:32,735,238, plus strand): 5'-CATAAGAGCCTAGATCCAAGCAACCTGGAACATCTCATAACACCATTGGTTACTATTGGT[C>T]ATATTGCTCTCCTTGCACCTGATCAATTTGCTGCTCCTTTGAAATCTTTGGTAGCTACTT-3'
Protein context (NP_055847.1, residues 762-782): HLITPLVTIG[His772Tyr]IALLAPDQFA